The following is an entry in ClinVar:

ClinVar aggregate classification (germline): Uncertain significance (1 of 4 stars; one submission).

Conditions:
Intellectual disability, autosomal dominant 15 (CSS3). Also called: COFFIN-SIRIS SYNDROME 3. Identifiers: Orphanet 1465, MedGen C3553248, MONDO:0013820, OMIM 614608.

Submission:

MVZ Medizinische Genetik Mainz
Classification: Uncertain significance for Intellectual disability, autosomal dominant 15. Last evaluated: 2024-12-19. Review status: criteria provided, single submitter. Criteria: UK Practice Guidelines For Variant Classification V4 01 2020. Collection method: clinical testing. Allele origin: germline. Inheritance: Autosomal dominant inheritance. Affected: yes. Observed: 1 variant allele.
Comment: ACMG Criteria: PP3_STR,PM2_SUP

NM_003073.5(SMARCB1):c.491T>G (p.Phe164Cys)

Gene: SMARCB1 (SWI/SNF related BAF chromatin remodeling complex subunit B1; plus strand). Cytogenetic location: 22q11.23.
Variant type: single nucleotide variant.
Coding change: c.491T>G on transcript NM_003073.5 (MANE Select); coding-DNA position 491, T replaced by G.
Protein change: p.Phe164Cys; replaces phenylalanine 164 with cysteine.
Molecular consequence: missense variant.
Genome position (GRCh38, 1-based): chr22:23,801,072, T>G. VCF-style: chr22-23801072-T-G. GRCh37 (hg19) VCF-style: chr22-24143259-T-G.
Other names: c.464T>G, p.Phe155Cys (NM_001007468.3, NM_001317946.2); c.491T>G, p.Phe164Cys (NM_001362877.2); short protein forms F155C, F164C.
Identifiers: ClinVar variation 3392538 (VCV003392538.1).